The following is an entry in ClinVar:

ClinVar aggregate classification (germline): Uncertain significance (1 of 4 stars; one submission).

Submission:

Ambry Genetics
Classification: Uncertain significance. Last evaluated: 2024-01-25. Review status: criteria provided, single submitter. Criteria: Ambry Variant Classification Scheme 2023. Collection method: clinical testing. Allele origin: germline.
Comment: The p.Q454P variant (also known as c.1361A>C), located in coding exon 13 of the PRKDC gene, results from an A to C substitution at nucleotide position 1361. The glutamine at codon 454 is replaced by proline, an amino acid with similar properties. This amino acid position is conserved. In addition, this alteration is predicted to be deleterious by in silico analysis. Based on the available evidence, the clinical significance of this alteration remains unclear.

NM_006904.7(PRKDC):c.1361A>C (p.Gln454Pro)

Gene: PRKDC (protein kinase, DNA-activated, catalytic subunit; minus strand). Cytogenetic location: 8q11.21.
Variant type: single nucleotide variant.
Coding change: c.1361A>C on transcript NM_006904.7 (MANE Select); coding-DNA position 1361, A replaced by C.
Protein change: p.Gln454Pro; replaces glutamine 454 with proline.
Molecular consequence: missense variant.
Genome position (GRCh38, 1-based): chr8:47,935,818, T>G on the plus strand (A>C on the coding strand, the complement: PRKDC is on the minus strand). VCF-style: chr8-47935818-T-G. GRCh37 (hg19) VCF-style: chr8-48848378-T-G.
Other names: c.1361A>C, p.Gln454Pro (NM_001081640.2); short protein forms Q454P.
Identifiers: ClinVar variation 3225742 (VCV003225742.1), dbSNP rs555249049, ClinGen allele CA371165838.